The following is an entry in ClinVar:

NM_033402.5(LRRCC1):c.3099A>G (p.Ter1033Trp)

Gene: LRRCC1 (leucine rich repeat and coiled-coil centrosomal protein 1; plus strand). Cytogenetic location: 8q21.2.
Variant type: single nucleotide variant.
Coding change: c.3099A>G on transcript NM_033402.5 (MANE Select); coding-DNA position 3099, A replaced by G.
Protein change: p.Ter1033Trp.
Molecular consequence: stop lost.
Genome position (GRCh38, 1-based): chr8:85,145,511, A>G. VCF-style: chr8-85145511-A-G. GRCh37 (hg19) VCF-style: chr8-86057746-A-G.
Other names: c.2820A>G, p.Ter940Trp (NM_001349636.2); c.2673A>G, p.Ter891Trp (NM_001349637.2); c.2202A>G, p.Ter734Trp (NM_001349638.2); c.1962A>G, p.Ter654Trp (NM_001349639.2).
Identifiers: ClinVar variation 2052513 (VCV002052513.3), dbSNP rs200010501, ClinGen allele CA4795091.
Genomic context (GRCh38, chr8:85,145,511, plus strand): 5'-AATGGAAGCAAAAATTAAGCAACTTGCTTTTGCTTTAAATGAAATTCAGCAAGATATGTG[A>G]TGGTTCTGAGAATGAATTTAATTGAAATAGACCAGCAGACCTATTGTAAAAATGATTAAA-3'

ClinVar aggregate classification (germline): Uncertain significance (1 of 4 stars; one submission).

Allele frequency attached by ClinVar (database versions not stated): gnomAD 0.00088; gnomAD exomes 0.00111; TOPMed 0.00062; ExAC 0.00067; ESP Exome Variant Server 0.00077.

Submission:

Labcorp Genetics (formerly Invitae), Labcorp
Classification: Uncertain significance. Last evaluated: 2025-12-08. Review status: criteria provided, single submitter. Criteria: Invitae Variant Classification Sherloc (09022015). Collection method: clinical testing. Allele origin: germline.
Comment: This sequence change disrupts the translational stop signal of the LRRCC1 mRNA. It is expected to extend the length of the LRRCC1 protein by 3 additional amino acid residues. This variant is present in population databases (rs200010501, gnomAD 0.1%), and has an allele count higher than expected for a pathogenic variant. This variant has not been reported in the literature in individuals affected with LRRCC1-related conditions. ClinVar contains an entry for this variant (Variation ID: 2052513). Experimental studies and prediction algorithms are not available or were not evaluated, and the functional significance of this variant is currently unknown. In summary, the available evidence is currently insufficient to determine the role of this variant in disease. Therefore, it has been classified as a Variant of Uncertain Significance.